The following is an entry in ClinVar:

NM_030957.4(ADAMTS10):c.2938C>G (p.Leu980Val)

Gene: ADAMTS10 (ADAM metallopeptidase with thrombospondin type 1 motif 10; minus strand). Cytogenetic location: 19p13.2.
Variant type: single nucleotide variant.
Coding change: c.2938C>G on transcript NM_030957.4 (MANE Select); coding-DNA position 2938, C replaced by G.
Protein change: p.Leu980Val; replaces leucine 980 with valine.
Molecular consequence: missense variant.
Genome position (GRCh38, 1-based): chr19:8,585,236, G>C on the plus strand (C>G on the coding strand, the complement: ADAMTS10 is on the minus strand). VCF-style: chr19-8585236-G-C. GRCh37 (hg19) VCF-style: chr19-8650120-G-C.
Other names: c.1399C>G, p.Leu467Val (NM_001282352.2); short protein forms L467V, L980V.
Identifiers: ClinVar variation 1425850 (VCV001425850.5), dbSNP rs1206673788, ClinGen allele CA403748643.

ClinVar aggregate classification (germline): Uncertain significance (1 of 4 stars; one submission).

Allele frequency attached by ClinVar (database versions not stated): gnomAD 0.00002 and 0.00003; TOPMed 0.00003; gnomAD exomes 0.00005 and 0.00008.
gnomAD v4.1: 112 of 1,463,770 alleles (0.0077%); highest among the groups gnomAD compares: Non-Finnish European, 0.0091%; no homozygotes.

Submission:

Labcorp Genetics (formerly Invitae), Labcorp
Classification: Uncertain significance. Last evaluated: 2022-07-12. Review status: criteria provided, single submitter. Criteria: Invitae Variant Classification Sherloc (09022015). Collection method: clinical testing. Allele origin: germline.
Comment: This sequence change replaces leucine, which is neutral and non-polar, with valine, which is neutral and non-polar, at codon 980 of the ADAMTS10 protein (p.Leu980Val). This variant is present in population databases (no rsID available, gnomAD 0.006%). This variant has not been reported in the literature in individuals affected with ADAMTS10-related conditions. ClinVar contains an entry for this variant (Variation ID: 1425850). Algorithms developed to predict the effect of missense changes on protein structure and function are either unavailable or do not agree on the potential impact of this missense change (SIFT: "Deleterious"; PolyPhen-2: "Possibly Damaging"; Align-GVGD: "Class C0"). Algorithms developed to predict the effect of sequence changes on RNA splicing suggest that this variant may create or strengthen a splice site. In summary, the available evidence is currently insufficient to determine the role of this variant in disease. Therefore, it has been classified as a Variant of Uncertain Significance.